The following is an entry in ClinVar:

ClinVar aggregate classification (germline): Uncertain significance (1 of 4 stars; one submission).

Submission:

Labcorp Genetics (formerly Invitae), Labcorp
Classification: Uncertain significance. Last evaluated: 2019-09-18. Review status: criteria provided, single submitter. Criteria: Invitae Variant Classification Sherloc (09022015). Collection method: clinical testing. Allele origin: germline.
Comment: In summary, the available evidence is currently insufficient to determine the role of this variant in disease. Therefore, it has been classified as a Variant of Uncertain Significance. This sequence change creates a premature translational stop signal (p.Leu786Glyfs*2) in the PRPF6 gene. It is expected to result in an absent or disrupted protein product. The frequency data for this variant in the population databases is considered unreliable, as metrics indicate poor data quality at this position in the ExAC database. This variant has not been reported in the literature in individuals with PRPF6-related conditions. The current clinical and genetic evidence is not sufficient to establish whether loss-of-function variants in PRPF6 cause disease.

NM_012469.4(PRPF6):c.2356_2371del (p.Leu786fs)

Gene: PRPF6 (pre-mRNA processing factor 6; plus strand). Cytogenetic location: 20q13.33.
Variant type: Deletion.
Coding change: c.2356_2371del on transcript NM_012469.4 (MANE Select); coding-DNA positions 2356 to 2371, 16 bases deleted (CTGGAGTACCGTGCGG).
Protein change: p.Leu786fs; shifts the reading frame from leucine 786.
Molecular consequence: frameshift variant.
Genome position (GRCh38, 1-based): chr20:64,028,494-64,028,509, CTGGAGTACCGTGCGG deleted; deleting any 16 consecutive bases within chr20:64,028,486-64,028,509 gives the same sequence; the c. name uses the placement nearest the transcript's 3' end. VCF-style (leftmost placement, unchanged base first): chr20-64028485-TCCGTGCGGCTGGAGTA-T. GRCh37 (hg19) VCF-style: chr20-62659838-TCCGTGCGGCTGGAGTA-T.
Other names: short protein forms L786fs.
Identifiers: ClinVar variation 854301 (VCV000854301.7), dbSNP rs747473838, ClinGen allele CA9972449.
Genomic context (GRCh38, chr20:64,028,485, plus strand): 5'-AATATGTGCTGTTGGTAGACGGCTGTGGGACCTCCGGGGGCCTGTCTCCTCAGGTTGGAG[TCCGTGCGGCTGGAGTA>T]CCGTGCGGGGCTGAAGAACATCGCAAATACACTCATGGCCAAGGCGCTGCAGGAGTGCCC-3'